The following is an entry in ClinVar:

ClinVar aggregate classification (germline): Uncertain significance. Review status: criteria provided, multiple submitters, no conflicts (2 of 4 stars). 4 submissions from 4 submitters: Uncertain significance (4). Last evaluated 2022-03-15.

Conditions:
Cardiovascular phenotype. Identifiers: MedGen CN230736.
Hereditary cancer-predisposing syndrome. Also called: Hereditary neoplastic syndrome; Neoplastic Syndromes, Hereditary; Tumor predisposition; Hereditary Cancer Syndrome. Identifiers: Orphanet 140162, MedGen C0027672, MeSH D009386, MONDO:0015356.
Neurofibromatosis, type 1 (NF1). Also called: VON RECKLINGHAUSEN DISEASE; Peripheral type neurofibromatosis; NEUROFIBROMATOSIS, TYPE I, SOMATIC; Neurofibromatosis, type I. Identifiers: Orphanet 636, MedGen C0027831, MONDO:0018975, OMIM 162200. Disease mechanism: loss of function.

Submissions (4):

Genome-Nilou Lab
Classification: Uncertain significance for Neurofibromatosis, type 1. Last evaluated: 2022-03-15. Review status: criteria provided, single submitter. Criteria: ACMG Guidelines, 2015. Collection method: clinical testing. Allele origin: germline. Affected: no.

Labcorp Genetics (formerly Invitae), Labcorp
Classification: Uncertain significance for Neurofibromatosis, type 1. Last evaluated: 2021-06-10. Review status: criteria provided, single submitter. Criteria: Invitae Variant Classification Sherloc (09022015). Collection method: clinical testing. Allele origin: germline.
Comment: Advanced modeling of protein sequence and biophysical properties (such as structural, functional, and spatial information, amino acid conservation, physicochemical variation, residue mobility, and thermodynamic stability) performed at Invitae indicates that this missense variant is expected to disrupt NF1 protein function. In summary, the available evidence is currently insufficient to determine the role of this variant in disease. Therefore, it has been classified as a Variant of Uncertain Significance. Algorithms developed to predict the effect of sequence changes on RNA splicing suggest that this variant may create or strengthen a splice site, but this prediction has not been confirmed by published transcriptional studies. This variant has not been reported in the literature in individuals with NF1-related conditions. ClinVar contains an entry for this variant (Variation ID: 484136). This variant is not present in population databases (ExAC no frequency). This sequence change replaces methionine with isoleucine at codon 1050 of the NF1 protein (p.Met1050Ile). The methionine residue is moderately conserved and there is a small physicochemical difference between methionine and isoleucine.

GeneDx
Classification: Uncertain significance. Last evaluated: 2020-01-18. Review status: criteria provided, single submitter. Criteria: GeneDx Variant Classification Process June 2021. Collection method: clinical testing. Allele origin: germline. Affected: yes.
Comment: Has not been previously published as pathogenic or benign to our knowledge; Not observed in large population cohorts (Lek 2016); In silico analysis, which includes protein predictors and evolutionary conservation, supports a deleterious effect

Ambry Genetics
Classification: Uncertain significance for Cardiovascular phenotype; Hereditary cancer-predisposing syndrome. Last evaluated: 2017-06-09. Review status: criteria provided, single submitter. Criteria: Ambry Variant Classification Scheme 2023. Collection method: clinical testing. Allele origin: germline.
Comment: The p.M1050I variant (also known as c.3150G>A), located in coding exon 24 of the NF1 gene, results from a G to A substitution at nucleotide position 3150. The methionine at codon 1050 is replaced by isoleucine, an amino acid with highly similar properties. This amino acid position is highly conserved in available vertebrate species. In addition, the in silico prediction for this alteration is inconclusive. Since supporting evidence is limited at this time, the clinical significance of this alteration remains unclear.

NM_001042492.3(NF1):c.3150G>A (p.Met1050Ile)

Gene: NF1 (neurofibromin 1; plus strand). Cytogenetic location: 17q11.2.
Variant type: single nucleotide variant.
Coding change: c.3150G>A on transcript NM_001042492.3 (MANE Select); coding-DNA position 3150, G replaced by A.
Protein change: p.Met1050Ile; replaces methionine 1050 with isoleucine.
Molecular consequence: missense variant.
Genome position (GRCh38, 1-based): chr17:31,230,878, G>A. VCF-style: chr17-31230878-G-A. GRCh37 (hg19) VCF-style: chr17-29557896-G-A.
Other names: c.3150G>A, p.Met1050Ile (NM_000267.4); short protein forms M1050I.
Identifiers: ClinVar variation 484136 (VCV000484136.15), dbSNP rs1555614639, ClinGen allele CA398988027.
Genomic context (GRCh38, chr17:31,230,878, plus strand): 5'-TCTCTTTTCTCCACCATTCTATAGGAATAAGATGGTAGAATACCTGACAGACTGGGTTAT[G>A]GGAACATCAAACCAAGCAGCAGATGATGATGTAAAATGTCTTACAAGGTAAAAAAAGAAT-3'
Protein context (NP_001035957.1, residues 1040-1060): KMVEYLTDWV[Met1050Ile]GTSNQAADDD